The following is an entry in ClinVar:

ClinVar aggregate classification (germline): Uncertain significance (1 of 4 stars; one submission).

Conditions:
Amyotrophic lateral sclerosis type 1 (ALS1). Also called: AMYOTROPHIC LATERAL SCLEROSIS 1, FAMILIAL. Identifiers: Orphanet 803, MedGen C1862939, MONDO:0007103, OMIM 105400.
Perry syndrome. Also called: PARKINSONISM WITH ALVEOLAR HYPOVENTILATION AND MENTAL DEPRESSION. Identifiers: Orphanet 178509, MedGen C1868594, MONDO:0008201, OMIM 168605.
Neuronopathy, distal hereditary motor, type 7B. Also called: Distal Hereditary Motor Neuronopathy Type 7B (dHMN7B); NEURONOPATHY, DISTAL HEREDITARY MOTOR, AUTOSOMAL DOMINANT 14; NEURONOPATHY, DISTAL HEREDITARY MOTOR, HARDING TYPE VIIB; NEUROPATHY, DISTAL HEREDITARY MOTOR, HARDING TYPE VIIB; NEUROPATHY, DISTAL HEREDITARY MOTOR, WITH VOCAL CORD PARALYSIS, HARDING TYPE VIIB; HMN VIIB. Identifiers: Orphanet 139589, MedGen C1843315, MONDO:0011879, OMIM 607641.

Allele frequency attached by ClinVar (database versions not stated): TOPMed 0.00001; gnomAD exomes below 0.00001; ExAC 0.00001; gnomAD 0.00001.
gnomAD v4.1: 11 of 1,614,156 alleles (0.00068%); highest among the groups gnomAD compares: Non-Finnish European, 0.00093%; no homozygotes.

Submission:

Labcorp Genetics (formerly Invitae), Labcorp
Classification: Uncertain significance for Amyotrophic lateral sclerosis type 1; Neuronopathy, distal hereditary motor, type 7B; Perry syndrome. Last evaluated: 2022-03-17. Review status: criteria provided, single submitter. Criteria: Invitae Variant Classification Sherloc (09022015). Collection method: clinical testing. Allele origin: germline.
Comment: In summary, the available evidence is currently insufficient to determine the role of this variant in disease. Therefore, it has been classified as a Variant of Uncertain Significance. Algorithms developed to predict the effect of missense changes on protein structure and function are either unavailable or do not agree on the potential impact of this missense change (SIFT: "Deleterious"; PolyPhen-2: "Probably Damaging"; Align-GVGD: "Class C15"). ClinVar contains an entry for this variant (Variation ID: 937584). This variant has not been reported in the literature in individuals affected with DCTN1-related conditions. This variant is present in population databases (rs778331682, gnomAD 0.002%). This sequence change replaces methionine, which is neutral and non-polar, with valine, which is neutral and non-polar, at codon 592 of the DCTN1 protein (p.Met592Val).

NM_004082.5(DCTN1):c.1774A>G (p.Met592Val)

Gene: DCTN1 (dynactin subunit 1; minus strand). Cytogenetic location: 2p13.1.
Variant type: single nucleotide variant.
Coding change: c.1774A>G on transcript NM_004082.5 (MANE Select); coding-DNA position 1774, A replaced by G.
Protein change: p.Met592Val; replaces methionine 592 with valine.
Molecular consequence: missense variant. On other transcripts: non-coding transcript variant (1).
Genome position (GRCh38, 1-based): chr2:74,368,808, T>C on the plus strand (A>G on the coding strand, the complement: DCTN1 is on the minus strand). VCF-style: chr2-74368808-T-C. GRCh37 (hg19) VCF-style: chr2-74595935-T-C.
Other names: c.1714A>G, p.Met572Val (NM_001135040.3); c.1372A>G, p.Met458Val (NM_001135041.3, NM_023019.4); c.1663A>G, p.Met555Val (NM_001190836.2); c.1753A>G, p.Met585Val (NM_001190837.2); c.1723A>G, p.Met575Val (NM_001378991.1); c.1705A>G, p.Met569Val (NM_001378992.1); short protein forms M569V, M572V, M575V, M585V, M458V, M555V, M592V.
Identifiers: ClinVar variation 937584 (VCV000937584.10), dbSNP rs778331682, ClinGen allele CA1722043.